The following is an entry in ClinVar:

NM_014780.5(CUL7):c.2729dup (p.Gly910_Asp911insTer)

Gene: CUL7 (cullin 7; minus strand). Cytogenetic location: 6p21.1.
Variant type: Duplication.
Coding change: c.2729dup on transcript NM_014780.5 (MANE Select); coding-DNA position 2729, one base duplicated (G; older notation c.2729dupG).
Protein change: p.Gly910_Asp911insTer.
Molecular consequence: frameshift variant.
Genome position (GRCh38, 1-based): chr6:43,046,023, C duplicated on the plus strand (G on the coding strand, the reverse complement: CUL7 is on the minus strand); the first of 5 consecutive C bases (chr6:43,046,023-43,046,027); duplicating any one gives the same sequence. VCF-style (leftmost placement, unchanged base first): chr6-43046022-A-AC. GRCh37 (hg19) VCF-style: chr6-43013760-A-AC.
Other names: c.2825dup, p.Gly942_Asp943insTer (NM_001168370.2, NM_001374872.1); c.2729dup, p.Gly910_Asp911insTer (NM_001374873.1, NM_001374874.1).
Identifiers: ClinVar variation 2802792 (VCV002802792.3), dbSNP rs2532665441, ClinGen allele CA2739273058.

ClinVar aggregate classification (germline): Pathogenic (1 of 4 stars; one submission).

Submission:

Labcorp Genetics (formerly Invitae), Labcorp
Classification: Pathogenic. Last evaluated: 2025-07-02. Review status: criteria provided, single submitter. Criteria: Invitae Variant Classification Sherloc (09022015). Collection method: clinical testing. Allele origin: germline.
Comment: This sequence change creates a premature translational stop signal (p.Asp911*) in the CUL7 gene. It is expected to result in an absent or disrupted protein product. Loss-of-function variants in CUL7 are known to be pathogenic (PMID: 16142236, 17675530, 19225462). This variant is not present in population databases (gnomAD no frequency). This variant has not been reported in the literature in individuals affected with CUL7-related conditions. ClinVar contains an entry for this variant (Variation ID: 2802792). Algorithms developed to predict the effect of sequence changes on RNA splicing suggest that this variant may disrupt the consensus splice site. For these reasons, this variant has been classified as Pathogenic.

Literature cited by the submitters: PubMed 16142236; PubMed 17675530; PubMed 19225462.